The following is an entry in ClinVar:

NM_152269.5(MTRFR):c.54G>A (p.Pro18=)

Gene: MTRFR (mitochondrial translation release factor in rescue; plus strand). Cytogenetic location: 12q24.31.
Variant type: single nucleotide variant.
Coding change: c.54G>A on transcript NM_152269.5 (MANE Select); coding-DNA position 54, G replaced by A.
Protein change: p.Pro18=; no amino-acid change (proline 18 retained).
Molecular consequence: synonymous variant.
Genome position (GRCh38, 1-based): chr12:123,253,728, G>A. VCF-style: chr12-123253728-G-A. GRCh37 (hg19) VCF-style: chr12-123738275-G-A.
Other names: c.54G>A, p.Pro18= (NM_001143905.2, NM_001194995.1).
Identifiers: ClinVar variation 697230 (VCV000697230.40), dbSNP rs188310109, ClinGen allele CA6856507.
Genomic context (GRCh38, chr12:123,253,728, plus strand): 5'-GTTCCTTATGAGCACCGTGGGTTTATTTCATTTTCCTACACCACTGACCCGAATATGCCC[G>A]GCGCCATGGGGACTCCGGCTTTGGGAGAAGCTGACGTTGTTATCCCCAGGAATAGCTGTC-3'
Protein context (NP_689482.1, residues 8-28): HFPTPLTRIC[Pro18=]APWGLRLWEK

ClinVar aggregate classification (germline): Conflicting classifications of pathogenicity. Review status: criteria provided, conflicting classifications (1 of 4 stars). 4 submissions from 4 submitters: Uncertain significance (1); Likely benign (3). Last evaluated 2026-01-22.

Conditions:
Combined oxidative phosphorylation defect type 7. Identifiers: Orphanet 254930, MedGen C3150801, MONDO:0013306, OMIM 613559.
Spastic paraplegia. Identifiers: MedGen C0037772, HP:0001258.
Hereditary spastic paraplegia. Also called: Familial spastic paraparesis. Identifiers: Orphanet 685, MedGen C0037773, MONDO:0019064. Disease mechanism: loss of function.

Allele frequency attached by ClinVar (database versions not stated): gnomAD exomes 0.00014 and 0.00020; ESP Exome Variant Server 0.00015; ExAC 0.00020; gnomAD 0.00029 and 0.00031; TOPMed 0.00034; 1000 Genomes Project 0.00060; 1000 Genomes Project 30x 0.00078.
gnomAD v4.1: 258 of 1,614,088 alleles (0.016%); highest among the groups gnomAD compares: Middle Eastern, 0.12%; no homozygotes.

Submissions (4):

Labcorp Genetics (formerly Invitae), Labcorp
Classification: Likely benign for Combined oxidative phosphorylation defect type 7; Spastic paraplegia. Last evaluated: 2026-01-22. Review status: criteria provided, single submitter. Criteria: Invitae Variant Classification Sherloc (09022015). Collection method: clinical testing. Allele origin: germline.

Blueprint Genetics
Classification: Likely benign. Last evaluated: 2024-11-20. Review status: criteria provided, single submitter. Criteria: ACMG Guidelines, 2015. Collection method: clinical testing. Allele origin: germline.

CeGaT Center for Human Genetics Tuebingen
Classification: Likely benign. Last evaluated: 2023-06-01. Review status: criteria provided, single submitter. Criteria: CeGaT Center For Human Genetics Tuebingen Variant Classification Criteria Version 2. Collection method: clinical testing. Allele origin: germline. Affected: yes. Observed: 1 variant allele.
Comment: MTRFR: BP4, BP7

Genome Diagnostics Laboratory, The Hospital for Sick Children
Classification: Uncertain significance for Hereditary spastic paraplegia. Last evaluated: 2021-11-12. Review status: criteria provided, single submitter. Criteria: ACMG Guidelines, 2015. Collection method: clinical testing. Allele origin: germline. Affected: yes.